The following is an entry in ClinVar:

NM_021076.4(NEFH):c.1252A>G (p.Ile418Val)

Gene: NEFH (neurofilament heavy chain; plus strand). Cytogenetic location: 22q12.2.
Variant type: single nucleotide variant.
Coding change: c.1252A>G on transcript NM_021076.4 (MANE Select); coding-DNA position 1252, A replaced by G.
Protein change: p.Ile418Val; replaces isoleucine 418 with valine.
Molecular consequence: missense variant.
Genome position (GRCh38, 1-based): chr22:29,488,892, A>G. VCF-style: chr22-29488892-A-G. GRCh37 (hg19) VCF-style: chr22-29884881-A-G.
Other names: short protein forms I418V.
Identifiers: ClinVar variation 1760948 (VCV001760948.7), dbSNP rs751075628, ClinGen allele CA10174176.
Genomic context (GRCh38, chr22:29,488,892, plus strand): 5'-CGTGATCCATCCTGCAGAAAACTCCTGGAAGGTGAAGAGTGTCGGATTGGCTTTGGCCCA[A>G]TTCCTTTCTCGCTTCCAGAAGGACTCCCCAAAATTCCCTCTGTGTCCACTCACATAAAGG-3'
Protein context (NP_066554.2, residues 408-428): GEECRIGFGP[Ile418Val]PFSLPEGLPK

ClinVar aggregate classification (germline): Uncertain significance. Review status: criteria provided, multiple submitters, no conflicts (2 of 4 stars). 2 submissions from 2 submitters: Uncertain significance (2). Last evaluated 2025-10-06.

Conditions:
Inborn genetic diseases. Identifiers: MedGen C0950123, MeSH D030342.

Allele frequency attached by ClinVar (database versions not stated): gnomAD 0.00001; ExAC 0.00002; gnomAD exomes 0.00002; TOPMed 0.00002.
gnomAD v4.1: 32 of 1,614,082 alleles (0.002%); highest among the groups gnomAD compares: Non-Finnish European, 0.0027%; no homozygotes.

Submissions (2):

Labcorp Genetics (formerly Invitae), Labcorp
Classification: Uncertain significance. Last evaluated: 2025-10-06. Review status: criteria provided, single submitter. Criteria: Invitae Variant Classification Sherloc (09022015). Collection method: clinical testing. Allele origin: germline.
Comment: This sequence change replaces isoleucine, which is neutral and non-polar, with valine, which is neutral and non-polar, at codon 418 of the NEFH protein (p.Ile418Val). This variant is present in population databases (rs751075628, gnomAD 0.003%). This variant has not been reported in the literature in individuals affected with NEFH-related conditions. ClinVar contains an entry for this variant (Variation ID: 1760948). Invitae Evidence Modeling of protein sequence and biophysical properties (such as structural, functional, and spatial information, amino acid conservation, physicochemical variation, residue mobility, and thermodynamic stability) indicates that this missense variant is not expected to disrupt NEFH protein function with a negative predictive value of 95%. In summary, the available evidence is currently insufficient to determine the role of this variant in disease. Therefore, it has been classified as a Variant of Uncertain Significance.

Ambry Genetics
Classification: Uncertain significance for Inborn genetic diseases. Last evaluated: 2021-01-13. Review status: criteria provided, single submitter. Criteria: Ambry Variant Classification Scheme 2023. Collection method: clinical testing. Allele origin: germline.
Comment: The p.I418V variant (also known as c.1252A>G), located in coding exon 4 of the NEFH gene, results from an A to G substitution at nucleotide position 1252. The isoleucine at codon 418 is replaced by valine, an amino acid with highly similar properties. This amino acid position is poorly conserved in available vertebrate species. In addition, this alteration is predicted to be tolerated by in silico analysis. Since supporting evidence is limited at this time, the clinical significance of this alteration remains unclear.